The following is an entry in ClinVar:

ClinVar aggregate classification (germline): Likely benign. Review status: criteria provided, multiple submitters, no conflicts (2 of 4 stars). 3 submissions from 3 submitters: Likely benign (2). 1 of the submissions does not count toward it. Last evaluated 2025-07-15.

Conditions:
NPHP4-related disorder. Also called: NPHP4-related condition; NPHP4-related disorders. Identifiers: MedGen CN239384.
Nephronophthisis. Also called: Juvenile Nephronophthisis. Identifiers: Orphanet 655, MedGen C0687120, MONDO:0019005, HP:0000090.

Allele frequency attached by ClinVar (database versions not stated): gnomAD exomes 0.00001; TOPMed 0.00002; ExAC 0.00003; gnomAD 0.00004.
gnomAD v4.1: 17 of 1,588,190 alleles (0.0011%); highest among the groups gnomAD compares: South Asian, 0.0069%; no homozygotes.

Submissions (3):

Labcorp Genetics (formerly Invitae), Labcorp
Classification: Likely benign for Nephronophthisis. Last evaluated: 2025-07-15. Review status: criteria provided, single submitter. Criteria: Invitae Variant Classification Sherloc (09022015). Collection method: clinical testing. Allele origin: germline.

Blueprint Genetics
Classification: Likely benign. Last evaluated: 2022-07-11. Review status: criteria provided, single submitter. Criteria: ACMG Guidelines, 2015. Collection method: clinical testing. Allele origin: germline.

PreventionGenetics, part of Exact Sciences
Classification: Likely benign for NPHP4-related condition. Last evaluated: 2019-09-04. Review status: no assertion criteria provided. Collection method: clinical testing. Allele origin: germline. Not counted in ClinVar's aggregate classification.
Comment: This variant is classified as likely benign based on ACMG/AMP sequence variant interpretation guidelines (Richards et al. 2015 PMID: 25741868, with internal and published modifications).

NM_015102.5(NPHP4):c.3180C>T (p.His1060=)

Gene: NPHP4 (nephrocystin 4; minus strand). Cytogenetic location: 1p36.31.
Variant type: single nucleotide variant.
Coding change: c.3180C>T on transcript NM_015102.5 (MANE Select); coding-DNA position 3180, C replaced by T.
Protein change: p.His1060=; no amino-acid change (histidine 1060 retained).
Molecular consequence: synonymous variant. On other transcripts: non-coding transcript variant (1).
Genome position (GRCh38, 1-based): chr1:5,874,522, G>A on the plus strand (C>T on the coding strand, the complement: NPHP4 is on the minus strand). VCF-style: chr1-5874522-G-A. GRCh37 (hg19) VCF-style: chr1-5934582-G-A.
Other names: c.1641C>T, p.His547= (NM_001291593.2); c.1644C>T, p.His548= (NM_001291594.2).
Identifiers: ClinVar variation 3053395 (VCV003053395.5), dbSNP rs767575686, ClinGen allele CA553767.
Genomic context (GRCh38, chr1:5,874,522, plus strand): 5'-CACCCGCACCTGCACCATGGCCAGCTGCCCTGCAGAGAAGCTCTGGAACTTGAAGGGGAC[G>A]TGGGCGGTCTCGTGGGGGCGCAGGTAGAGCTGGGGGGCCAGGCTGCCACGCAGGTGGAAC-3'
Protein context (NP_055917.1, residues 1050-1070): QLYLRPHETA[His1060=]VPFKFQSFSA